The following is an entry in ClinVar:

ClinVar aggregate classification (germline): Uncertain significance (1 of 4 stars; one submission).

Submission:

GeneDx
Classification: Uncertain significance. Last evaluated: 2025-02-16. Review status: criteria provided, single submitter. Criteria: GeneDx Variant Classification Process June 2021. Collection method: clinical testing. Allele origin: germline. Affected: yes.
Comment: Not observed at significant frequency in large population cohorts (gnomAD); In silico analysis supports that this missense variant has a deleterious effect on protein structure/function; Has not been previously published as pathogenic or benign to our knowledge

NM_006885.4(ZFHX3):c.9080C>T (p.Thr3027Ile)

Genes: ZFHX3 (zinc finger homeobox 3; minus strand), ZFHX3-AS1 (ZFHX3 antisense RNA 1; plus strand). Cytogenetic location: 16q22.2.
Variant type: single nucleotide variant.
Coding change: c.9080C>T on transcript NM_006885.4 (MANE Select); coding-DNA position 9080, C replaced by T.
Protein change: p.Thr3027Ile; replaces threonine 3027 with isoleucine.
Molecular consequence: missense variant.
Genome position (GRCh38, 1-based): chr16:72,793,602, G>A on the plus strand (C>T on the coding strand, the complement: ZFHX3 is on the minus strand). VCF-style: chr16-72793602-G-A. GRCh37 (hg19) VCF-style: chr16-72827501-G-A.
Other names: c.6338C>T, p.Thr2113Ile (NM_001164766.2); c.9080C>T, p.Thr3027Ile (NM_001386735.1); short protein forms T2113I, T3027I.
Identifiers: ClinVar variation 4075503 (VCV004075503.1).